The following is an entry in ClinVar:

NM_021146.4(ANGPTL7):c.998A>G (p.Lys333Arg)

Genes: ANGPTL7 (angiopoietin like 7; plus strand), MTOR (mechanistic target of rapamycin kinase; minus strand). Cytogenetic location: 1p36.22.
Variant type: single nucleotide variant.
Coding change: c.998A>G on transcript NM_021146.4 (MANE Select); coding-DNA position 998, A replaced by G.
Protein change: p.Lys333Arg; replaces lysine 333 with arginine.
Molecular consequence: missense variant. On other transcripts: intron variant (3).
Genome position (GRCh38, 1-based): chr1:11,194,980, A>G. VCF-style: chr1-11194980-A-G. GRCh37 (hg19) VCF-style: chr1-11255037-A-G.
Other names: c.3005+4278T>C (NM_001386501.1); c.4253+4278T>C (NM_004958.4, NM_001386500.1); short protein forms K333R.
Identifiers: ClinVar variation 4681837 (VCV004681837.5).
Genomic context (GRCh38, chr1:11,194,980, plus strand): 5'-ACAATAAGCACCTGGATGGCATCACCTGGTATGGCTGGCATGGATCTACCTACTCCCTCA[A>G]ACGGGTGGAGATGAAAATCCGCCCAGAAGACTTCAAGCCTTAAAAGGAGGCTGCCGTGGA-3'
Protein context (NP_066969.1, residues 323-343): YGWHGSTYSL[Lys333Arg]RVEMKIRPED

ClinVar aggregate classification (germline): Uncertain significance (1 of 4 stars; one submission).

Submission:

CeGaT Center for Human Genetics Tuebingen
Classification: Uncertain significance. Last evaluated: 2025-12-01. Review status: criteria provided, single submitter. Criteria: CeGaT Center For Human Genetics Tuebingen Variant Classification Criteria Version 2. Collection method: clinical testing. Allele origin: germline. Affected: yes. Observed: 1 variant allele.
Comment: ANGPTL7: PM2, BP4